The following is an entry in ClinVar:

NM_000548.5(TSC2):c.2071del (p.Arg691fs)

Gene: TSC2 (TSC complex subunit 2; plus strand). Cytogenetic location: 16p13.3.
Variant type: Deletion.
Coding change: c.2071del on transcript NM_000548.5 (MANE Select); coding-DNA position 2071, one base deleted (C; older notation c.2071delC).
Protein change: p.Arg691fs; shifts the reading frame from arginine 691.
Molecular consequence: frameshift variant.
Genome position (GRCh38, 1-based): chr16:2,071,908, C deleted; the last of 2 consecutive C bases (chr16:2,071,907-2,071,908); deleting either gives the same sequence. VCF-style (leftmost placement, unchanged base first): chr16-2071906-TC-T. GRCh37 (hg19) VCF-style: chr16-2121907-TC-T.
Other names: c.2071del, p.Arg691fs (NM_001077183.3, NM_001114382.3, NM_001363528.2 and 3 more transcripts); c.1960del, p.Arg654fs (NM_001318827.2); c.1924del, p.Arg642fs (NM_001318829.2); c.1471del, p.Arg491fs (NM_001318831.2); c.2104del, p.Arg702fs (NM_001318832.2); c.2071delC (NM_000548.4); c.2071del (NM_000548.3); short protein forms R491fs, R702fs, R642fs, R691fs, R654fs.
Identifiers: ClinVar variation 49715 (VCV000049715.12), dbSNP rs137854071, ClinGen allele CA016558.

ClinVar aggregate classification (germline): Pathogenic. Review status: criteria provided, multiple submitters, no conflicts (2 of 4 stars). 7 submissions from 7 submitters: Pathogenic (5). 2 of the submissions do not count toward it. Last evaluated 2025-05-22.

Conditions:
TSC2-related disorder. Also called: TSC2-related condition; TSC2-Related Disorders.
Tuberous sclerosis 2 (TSC2). Identifiers: Orphanet 805, MedGen C1860707, MONDO:0013199, OMIM 613254.
Tuberous sclerosis syndrome (TSC). Also called: Tuberous Sclerosis Complex; Tuberous sclerosis. Identifiers: Orphanet 805, MedGen C0041341, MONDO:0001734.

Submissions (7):

Cambridge Genomics Laboratory, East Genomic Laboratory Hub, NHS Genomic Medicine Service
Classification: Pathogenic for Tuberous sclerosis. Last evaluated: 2025-05-22. Review status: criteria provided, single submitter. Criteria: ACGS Best Practice Guidelines for Variant Classification in Rare Disease 2020. Collection method: clinical testing. Allele origin: germline. Affected: yes.
Comment: PVS1,PS4_Supporting,PM2

Molecular Pathology, Peter Maccallum Cancer Centre
Classification: Pathogenic for Tuberous sclerosis 2. Last evaluated: 2024-06-26. Review status: criteria provided, single submitter. Criteria: ACMG Guidelines, 2015. Collection method: clinical testing. Allele origin: germline. Inheritance: Autosomal dominant inheritance.

Athena Diagnostics
Classification: Pathogenic. Last evaluated: 2023-10-06. Review status: criteria provided, single submitter. Criteria: Athena Diagnostics Criteria. Collection method: clinical testing. Allele origin: unknown.
Comment: This variant is expected to result in the loss of a functional protein. This variant has been identified in at least one individual with clinical features associated with this gene. This variant has not been reported in large, multi-ethnic general populations. In some published literature, this variant is referred to as c.2070delC (p.F690fsX7).

Labcorp Genetics (formerly Invitae), Labcorp
Classification: Pathogenic for Tuberous sclerosis 2. Last evaluated: 2021-11-12. Review status: criteria provided, single submitter. Criteria: Invitae Variant Classification Sherloc (09022015). Collection method: clinical testing. Allele origin: germline.
Comment: ClinVar contains an entry for this variant (Variation ID: 49715). This variant is also known as del1bp, 690PheFSr697X. This premature translational stop signal has been observed in individual(s) with tuberous sclerosis complex (PMID: 9463313, 28968464). This variant is not present in population databases (gnomAD no frequency). This sequence change creates a premature translational stop signal (p.Arg691Alafs*7) in the TSC2 gene. It is expected to result in an absent or disrupted protein product. Loss-of-function variants in TSC2 are known to be pathogenic (PMID: 10205261, 17304050). For these reasons, this variant has been classified as Pathogenic.

GeneDx
Classification: Pathogenic. Last evaluated: 2018-03-05. Review status: criteria provided, single submitter. Criteria: GeneDx Variant Classification (06012015). Collection method: clinical testing. Allele origin: germline. Affected: yes.
Comment: c.2071delC: p.Arg691AlafsX7 in exon 19 in the TSC2 gene (NM_000548.3). The normal sequence with the base(s) that are deleted in braces is: CTTC{C}GCGT. The c.2071delC pathogenic variant in the TSC2 gene has been reported previously in association with tuberous sclerosis complex (Au et al., 1998; Ali et al., 2005; TSC2 LOVD). The deletion causes a frameshift starting with codon Arginine 691, changes this amino acid to an Alanine residue and creates a premature Stop codon at position 7 of the new reading frame, denoted p.Arg691AlafsX7. This pathogenic variant is predicted to cause loss of normal protein function either through protein truncation or nonsense-mediated mRNA decay. Furthermore, the c.2071delCvariant is not observed in large population cohorts (Lek et al., 2016).

PreventionGenetics, part of Exact Sciences
Classification: Pathogenic for TSC2-related condition. Last evaluated: 2024-08-21. Review status: no assertion criteria provided. Collection method: clinical testing. Allele origin: germline. Not counted in ClinVar's aggregate classification.
Comment: The TSC2 c.2071delC variant is predicted to result in a frameshift and premature protein termination (p.Arg691Alafs*7). This variant was reported in individuals with Tuberous sclerosis (reported as del1bp (C2070/2071) in Au et al 1998. PubMed ID: 9463313; Rosset C et al 2017. PubMed ID: 28968464). This variant has not been reported in a large population database, indicating this variant is rare. Frameshift variants in TSC2 are expected to be pathogenic. This variant is interpreted as pathogenic.

Tuberous sclerosis database (TSC2)
No classification provided. Condition: TSC. Review status: no classification provided. Criteria: Tuberous Sclerosis Database Assertion Criteria 2015. Collection method: curation. Allele origin: germline. Affected: yes. Not counted in ClinVar's aggregate classification.

Literature cited by the submitters: PubMed 9463313 (cited by Athena Diagnostics and Labcorp Genetics (formerly Invitae), Labcorp); PubMed 28968464 (cited by Athena Diagnostics and Labcorp Genetics (formerly Invitae), Labcorp); PubMed 15595939 (cited by Athena Diagnostics); PubMed 10205261 (cited by Labcorp Genetics (formerly Invitae), Labcorp); PubMed 17304050 (cited by Labcorp Genetics (formerly Invitae), Labcorp).